The following continues an entry in ClinVar:

NM_000051.4(ATM):c.7630-2A>C

ClinVar aggregate classification (germline): Pathogenic. Pathogenic (29).

Submissions 11 to 27 of 32:

Quest Diagnostics Nichols Institute San Juan Capistrano
Classification: Pathogenic. Last evaluated: 2024-07-17. Review status: criteria provided, single submitter. Criteria: Quest Diagnostics criteria. Collection method: clinical testing. Allele origin: unknown.
Comment: The ATM c.7630-2A>C variant disrupts a canonical splice-acceptor site and interferes with normal ATM mRNA splicing. This variant has been reported in the published literature in the homozygous and compound heterozygous state in individuals affected with Ataxia-Telangiectasia (PMID: 9443866 (1998), 10330348 (1999), 21833744 (2011), 25374739 (2013), 30772474 (2019)). In addition, this variant has been identified in individuals with breast cancer (PMID: 26681312 (2015), 29360161 (2018), 29785153 (2018)), lung cancer (PMID: 28843361 (2017)), and pancreatic cancer (PMID: 30067863 (2018)). A study in cell lines indicated this variant causes exon skipping, and no detectable ATM protein was observed in the homozygous case (PMID: 9887333 (1999)). The frequency of this variant in the general population, 0.000023 (3/128914 chromosomes (Genome Aggregation Database)), is consistent with pathogenicity. Based on the available information, this variant is classified as pathogenic.

Color Diagnostics, LLC DBA Color Health
Classification: Pathogenic for Hereditary cancer-predisposing syndrome. Last evaluated: 2024-06-24. Review status: criteria provided, single submitter. Criteria: ACMG Guidelines, 2015. Collection method: clinical testing. Allele origin: germline.
Comment: This variant causes an A to C nucleotide substitution at the -2 position of intron 51 splice acceptor site of the ATM gene. This variant has been shown to cause aberrant RNA splicing and result in the absence of ATM protein (PMID: 9887333, 35716007). This variant has been reported in multiple individuals affected with breast cancer cancer (PMID: 26681312, 29360161, 33050356) and pancreatic cancer (PMID: 29360161, 30067863; Peters et al., 2017, DOI: 10.1200/JCO.2017.35.15_suppl.1501). This variant has been reported in over ten individuals affected with ataxia-telangiectasia (PMID: 9887333, 10817650, 25374739, 25614872, 30772474, 33330270, 34199532; DOI:10.1016/j.nerep.2021.100011). This variant has been identified in 4/276934 chromosomes in the general population by the Genome Aggregation Database (gnomAD). Loss of ATM function is a known mechanism of disease. Based on the available evidence, this variant is classified as Pathogenic.

Blueprint Genetics
Classification: Pathogenic for ATM-related disorders. Last evaluated: 2024-06-18. Review status: criteria provided, single submitter. Criteria: ACMG Guidelines, 2015. Collection method: clinical testing. Allele origin: germline. Affected: yes. Observed: 5 variant alleles.

Fulgent Genetics
Classification: Pathogenic for Familial cancer of breast; Ataxia-telangiectasia syndrome. Last evaluated: 2024-04-12. Review status: criteria provided, single submitter. Criteria: ACMG Guidelines, 2015. Collection method: clinical testing. Allele origin: germline.

Myriad Genetics, Inc.
Classification: Pathogenic for Familial cancer of breast. Last evaluated: 2024-02-02. Review status: criteria provided, single submitter. Criteria: Myriad Autosomal Dominant, Autosomal Recessive and X-Linked Classification Criteria (2023). Collection method: clinical testing. Allele origin: unknown.
Comment: This variant is considered pathogenic. This variant occurs within a consensus splice junction and is predicted to result in abnormal mRNA splicing of either an out-of-frame exon or an in-frame exon necessary for protein stability and/or normal function. This variant has been reported in multiple individuals with clinical features of gene-specific disease [PMID: 9443866, 9887333, 10330348]. Functional studies indicate this variant impacts protein function [PMID: 9443866, 9887333, 10330348].

Baylor Genetics
Classification: Pathogenic for Familial cancer of breast. Last evaluated: 2024-01-10. Review status: criteria provided, single submitter. Criteria: ACMG Guidelines, 2015. Collection method: clinical testing. Allele origin: unknown.

Centre for Mendelian Genomics, University Medical Centre Ljubljana
Classification: Pathogenic for Familial cancer of breast. Last evaluated: 2022-12-09. Review status: criteria provided, single submitter. Criteria: ACMG Guidelines, 2015. Collection method: research. Allele origin: germline. Affected: no.
Comment: PVS1, PS3_MOD, PM3_VSTR , PM2_SUP

Genetics and Molecular Pathology, SA Pathology
Classification: Pathogenic for Ataxia-telangiectasia syndrome. Last evaluated: 2022-09-29. Review status: criteria provided, single submitter. Criteria: ACMG Guidelines, 2015. Collection method: clinical testing. Allele origin: germline. Affected: yes.

3billion
Classification: Pathogenic for Ataxia-telangiectasia syndrome. Last evaluated: 2022-09-01. Review status: criteria provided, single submitter. Criteria: ACMG Guidelines, 2015. Collection method: clinical testing. Allele origin: germline. Affected: yes. Observed: 1 heterozygote.
Comment: The variant is observed at an extremely low frequency in the gnomAD v2.1.1 dataset (total allele frequency: 0.001%). Canonical splice site is predicted to alter splicing and result in a loss or disruption of normal protein function. Multiple pathogenic loss-of-function variants are reported downstream of the variant. The variant has been reported at least twice as pathogenic with clinical assertions and evidence for the classification (ClinVar ID: VCV000127447). Therefore, this variant is classified as Pathogenic according to the recommendation of ACMG/AMP guideline.

MGZ Medical Genetics Center
Classification: Pathogenic for Familial cancer of breast. Last evaluated: 2022-08-01. Review status: criteria provided, single submitter. Criteria: ACMG Guidelines, 2015. Collection method: clinical testing. Allele origin: germline. Affected: yes. Observed: 4 variant alleles.
Comment: ACMG criteria applied: PVS1, PS4_MOD, PM3, PS3_SUP, PM2_SUP

Human Genetics Bochum, Ruhr University Bochum
Classification: Pathogenic for Colorectal cancer. Last evaluated: 2022-06-29. Review status: criteria provided, single submitter. Criteria: ACMG Guidelines, 2015. Collection method: clinical testing. Allele origin: germline. Affected: yes.
Comment: ACMG criteria used to clasify this variant: PVS1, PM2

GeneDx
Classification: Pathogenic. Last evaluated: 2022-06-23. Review status: criteria provided, single submitter. Criteria: GeneDx Variant Classification Process June 2021. Collection method: clinical testing. Allele origin: germline. Affected: yes.
Comment: Canonical splice site variant demonstrated to cause aberrant splicing by exon skipping or use of a cryptic splice site (Sandoval et al., 1999; Laake et al., 2000); Identified in the homozygous state or with a pathogenic variant on the opposite allele in multiple unrelated patients with ataxia telangiectasia and has been described as a pathogenic founder variant in individuals of Polish descent (Telatar et al., 1998; Li and Swift, 2000; Mitui et al., 2005; Soukupova et al., 2011; Nespoli et al., 2013; Podralska et al., 2014); Observed in the heterozygous state in individuals with ATM-related cancers (Brand et al., 2018; Dudley et al., 2018; Goidescu et al., 2018; Cybulski et al., 2019); Not observed at significant frequency in large population cohorts (gnomAD); Also known as IVS53-2A>C; This variant is associated with the following publications: (PMID: 16411093, 27433846, 28843361, 26580448, 30067863, 31159747, 30772474, 31407689, 25525159, 25374739, 9443866, 25614872, 16266405, 10817650, 21833744, 10980530, 29360161, 15039971, 29785153, 29678143, 30293248, 31173646, 31285527, 34199532, 35716007, 9887333, 10330348)

Institute for Clinical Genetics, University Hospital TU Dresden, University Hospital TU Dresden
Classification: Pathogenic. Last evaluated: 2021-11-03. Review status: criteria provided, single submitter. Criteria: ACMG Guidelines, 2015. Collection method: clinical testing. Allele origin: germline.

Institute of Medical Genetics and Applied Genomics, University Hospital Tübingen
Classification: Pathogenic. Last evaluated: 2020-10-23. Review status: criteria provided, single submitter. Criteria: ACMG Guidelines, 2015. Collection method: clinical testing. Allele origin: germline. Inheritance: Unknown mechanism. Affected: yes.

GeneKor MSA
Classification: Pathogenic for Hereditary cancer-predisposing syndrome. Last evaluated: 2020-01-01. Review status: criteria provided, single submitter. Criteria: ACMG Guidelines, 2015. Collection method: clinical testing. Allele origin: germline. Affected: yes.
Comment: This variant occurs 2 nucleotides before exon 52 of the ATM gene. This position is highly conserved in the human and other genomes and is crucial in mRNA processing. This mutation is expected to result in incorrect splicing, alteration in the reading frame and a truncated protein. This variant is present in population databases ( rs587779866, <0.01%) and the mutation database ClinVar contains an entry for this variant (Variation ID: 127447/). This particular variant has been reported in the literature in individuals affected with ataxia-telangiectasia and in breast cancer patients (PMID: 988733, PMID: 26681312). An experimental study showed that this variant results in two aberrant forms of the ATM transcript, one in which exon 52 is skipped and another in which the first 11 nucleotides of exons 52 are skipped (PMID: 9887333 ).

Women's Health and Genetics/Laboratory Corporation of America, LabCorp
Classification: Pathogenic for Ataxia-telangiectasia syndrome. Last evaluated: 2019-12-10. Review status: criteria provided, single submitter. Criteria: LabCorp Variant Classification Summary - May 2015. Collection method: clinical testing. Allele origin: germline.
Comment: Variant summary: ATM c.7630-2A>C, also known as IVS53-2A>C, is located in a canonical splice-site and is predicted to affect mRNA splicing resulting in a significantly altered protein due to either exon skipping, shortening, or inclusion of intronic material. Several computational tools predict a significant impact on normal splicing: Four predict the variant abolishes the canonical 3' acceptor site. Three predict the variant strengthens an alternate intronic 3' acceptor site. At least one publication reports experimental evidence that this variant affects mRNA splicing reporting skipping of exon 54 (60%) and skipping of the first 11 nt of exon 54 (40%) (legacy exon numbering) (Sandoval_1999). The variant allele was found at a frequency of 8e-06 in 251132 control chromosomes. c.7630-2A>C has been reported in the literature in multiple individuals affected with Ataxia-Telangiectasia as well as in individuals undergoing multigene panel testing for hereditary cancers (example, Sandoval_1999, Telatar_1998, Susswein_2016, Tsaousis_2019). These data indicate that the variant is very likely to be associated with disease. Nine clinical diagnostic laboratories have submitted clinical-significance assessments for this variant to ClinVar after 2014 without evidence for independent evaluation. All laboratories classified the variant as pathogenic. Based on the evidence outlined above, the variant was classified as pathogenic for Ataxia Telangectasia and ATM associated cancers.

Mendelics
Classification: Pathogenic for Ataxia-telangiectasia syndrome. Last evaluated: 2018-07-02. Review status: criteria provided, single submitter. Criteria: Mendelics Assertion Criteria 2017. Collection method: clinical testing. Allele origin: unknown.